The following is an entry in ClinVar:

ClinVar aggregate classification (germline): Uncertain significance (1 of 4 stars; one submission).

Conditions:
Mucopolysaccharidosis, MPS-III-B (MPS3B). Also called: N-ACETYL-ALPHA-D-GLUCOSAMINIDASE DEFICIENCY; NAGLU DEFICIENCY; SANFILIPPO SYNDROME B; MPS III B; Mucopolysaccharidosis type IIIB (Sanfilippo B); MPS IIIB (Sanfilippo Syndrome Type B). Identifiers: Orphanet 79270, MedGen C0086648, MONDO:0009656, OMIM 252920.
Charcot-Marie-Tooth disease axonal type 2V. Also called: CHARCOT-MARIE-TOOTH NEUROPATHY, TYPE 2V; CHARCOT-MARIE-TOOTH DISEASE, AXONAL, AUTOSOMAL DOMINANT, TYPE 2V. Identifiers: Orphanet 447964, MedGen C5569050, MONDO:0014665, OMIM 616491.

Allele frequency attached by ClinVar (database versions not stated): gnomAD 0.00001; TOPMed below 0.00001; ExAC 0.00001.
gnomAD v4.1: 4 of 1,611,836 alleles (0.00025%); highest among the groups gnomAD compares: South Asian, 0.0022%; no homozygotes.

Submission:

Labcorp Genetics (formerly Invitae), Labcorp
Classification: Uncertain significance for Charcot-Marie-Tooth disease axonal type 2V; Mucopolysaccharidosis, MPS-III-B. Last evaluated: 2023-12-11. Review status: criteria provided, single submitter. Criteria: Invitae Variant Classification Sherloc (09022015). Collection method: clinical testing. Allele origin: germline.
Comment: This sequence change replaces proline, which is neutral and non-polar, with leucine, which is neutral and non-polar, at codon 736 of the NAGLU protein (p.Pro736Leu). This variant is present in population databases (rs776069611, gnomAD 0.003%). This variant has not been reported in the literature in individuals affected with NAGLU-related conditions. ClinVar contains an entry for this variant (Variation ID: 1982536). Advanced modeling of protein sequence and biophysical properties (such as structural, functional, and spatial information, amino acid conservation, physicochemical variation, residue mobility, and thermodynamic stability) performed at Invitae indicates that this missense variant is expected to disrupt NAGLU protein function with a positive predictive value of 95%. In summary, the available evidence is currently insufficient to determine the role of this variant in disease. Therefore, it has been classified as a Variant of Uncertain Significance.

NM_000263.4(NAGLU):c.2207C>T (p.Pro736Leu)

Gene: NAGLU (N-acetyl-alpha-glucosaminidase; plus strand). Cytogenetic location: 17q21.2.
Variant type: single nucleotide variant.
Coding change: c.2207C>T on transcript NM_000263.4 (MANE Select); coding-DNA position 2207, C replaced by T.
Protein change: p.Pro736Leu; replaces proline 736 with leucine.
Molecular consequence: missense variant.
Genome position (GRCh38, 1-based): chr17:42,544,213, C>T. VCF-style: chr17-42544213-C-T. GRCh37 (hg19) VCF-style: chr17-40696231-C-T.
Other names: short protein forms P736L.
Identifiers: ClinVar variation 1982536 (VCV001982536.4), dbSNP rs776069611, ClinGen allele CA8577158.
Genomic context (GRCh38, chr17:42,544,213, plus strand): 5'-CCAGCCAGCCGCGAGGAGACACTGTGGACCTGGCCAAGAAGATCTTCCTCAAATATTACC[C>T]CCGCTGGGTGGCCGGCTCTTGGTGATAGATTCGCCACCACTGGGCCTTGTTTTCCGCTAA-3'
Protein context (NP_000254.2, residues 726-743): LAKKIFLKYY[Pro736Leu]RWVAGSW